The following is an entry in ClinVar:

ClinVar aggregate classification (germline): Uncertain significance (1 of 4 stars; one submission).

Conditions:
Cardiovascular phenotype. Identifiers: MedGen CN230736.

gnomAD v4.1: 1 of 1,614,198 alleles (0.000062%); highest among the groups gnomAD compares: Non-Finnish European, 0.000085%; no homozygotes.

Submission:

Ambry Genetics
Classification: Uncertain significance for Cardiovascular phenotype. Last evaluated: 2025-05-08. Review status: criteria provided, single submitter. Criteria: Ambry Variant Classification Scheme 2023. Collection method: clinical testing. Allele origin: germline.
Comment: The p.I104V variant (also known as c.310A>G), located in coding exon 3 of the ABCG8 gene, results from an A to G substitution at nucleotide position 310. The isoleucine at codon 104 is replaced by valine, an amino acid with highly similar properties. This amino acid position is conserved. In addition, the in silico prediction for this alteration is inconclusive. Based on the available evidence, the clinical significance of this variant remains unclear.

NM_022437.3(ABCG8):c.310A>G (p.Ile104Val)

Gene: ABCG8 (ATP binding cassette subfamily G member 8; plus strand). Cytogenetic location: 2p21.
Variant type: single nucleotide variant.
Coding change: c.310A>G on transcript NM_022437.3 (MANE Select); coding-DNA position 310, A replaced by G.
Protein change: p.Ile104Val; replaces isoleucine 104 with valine.
Molecular consequence: missense variant.
Genome position (GRCh38, 1-based): chr2:43,846,299, A>G. VCF-style: chr2-43846299-A-G. GRCh37 (hg19) VCF-style: chr2-44073438-A-G.
Other names: c.310A>G, p.Ile104Val (NM_001357321.2); short protein forms I104V.
Identifiers: ClinVar variation 3992645 (VCV003992645.1).